The following is an entry in ClinVar:

NC_012920.1(MT-ND4):m.11990T>C

Gene: MT-ND4 (mitochondrially encoded NADH dehydrogenase 4; plus strand).
Variant type: single nucleotide variant.
Genome position: chrM-11990-T-C.
Identifiers: ClinVar variation 693395 (VCV000693395.1), dbSNP rs1603223505, ClinGen allele CA414811982.

ClinVar aggregate classification (germline): Uncertain significance (1 of 4 stars; one submission).

Conditions:
Leigh syndrome (NULS). Also called: Leigh's necrotizing encephalopathy; Leigh's disease; Leigh Syndrome (mtDNA deletion); Leigh Disease; Subacute necrotizing encephalopathy; Necrotizing encephalopathy infantile subacute of Leigh. Identifiers: Orphanet 506, MedGen C2931891, MONDO:0009723, OMIM 256000.

Submission:

Wong Mito Lab, Molecular and Human Genetics, Baylor College of Medicine
Classification: Uncertain significance for Leigh syndrome. Last evaluated: 2019-10-17. Review status: criteria provided, single submitter. Criteria: Modified ACMG Guidelines (Unpublished). Collection method: clinical testing. Allele origin: germline.
Comment: The NC_012920.1:m.11990T>C (YP_003024035.1:p.Phe411Leu) variant in MTND4 gene is interpretated to be a Uncertain Significance variant based on the modified ACMG guidelines (unpublished). This variant meets the following evidence codes: PP7, BP4